The following is an entry in ClinVar:

ClinVar aggregate classification (germline): Benign (1 of 4 stars; one submission).

Conditions:
Familial cancer of breast. Also called: hereditary breast carcinoma; Hereditary breast cancer; BREAST CANCER, FAMILIAL. Identifiers: Orphanet 227535, MedGen C0346153, MONDO:0016419, OMIM 114480. Disease mechanism: loss of function.

gnomAD v4.1: 1 of 1,613,250 alleles (0.000062%); highest among the groups gnomAD compares: Non-Finnish European, 0.000085%; no homozygotes.

Submission:

Myriad Genetics, Inc.
Classification: Benign for Familial cancer of breast. Last evaluated: 2024-07-26. Review status: criteria provided, single submitter. Criteria: Myriad Autosomal Dominant, Autosomal Recessive and X-Linked Classification Criteria (2023). Collection method: clinical testing. Allele origin: unknown.
Comment: This variant is considered benign. This variant is a silent/synonymous amino acid change and it is not expected to impact splicing.

NM_000465.4(BARD1):c.1584G>A (p.Leu528=)

Gene: BARD1 (BRCA1 associated RING domain 1; minus strand). Cytogenetic location: 2q35.
Variant type: single nucleotide variant.
Coding change: c.1584G>A on transcript NM_000465.4 (MANE Select); coding-DNA position 1584, G replaced by A.
Protein change: p.Leu528=; no amino-acid change (leucine 528 retained).
Molecular consequence: synonymous variant. On other transcripts: non-coding transcript variant (3), intron variant (1).
Genome position (GRCh38, 1-based): chr2:214,752,540, C>T on the plus strand (G>A on the coding strand, the complement: BARD1 is on the minus strand). VCF-style: chr2-214752540-C-T. GRCh37 (hg19) VCF-style: chr2-215617264-C-T.
Other names: c.1527G>A, p.Leu509= (NM_001282543.2); c.231G>A, p.Leu77= (NM_001282545.2); c.174G>A, p.Leu58= (NM_001282548.2); c.365-22032G>A (NM_001282549.2).
Identifiers: ClinVar variation 3378576 (VCV003378576.1).